The following is an entry in ClinVar:

ClinVar aggregate classification (germline): Conflicting classifications of pathogenicity. Review status: criteria provided, conflicting classifications (1 of 4 stars). 8 submissions from 8 submitters: Uncertain significance (5); Benign (2); Likely benign (1). Last evaluated 2026-04-10.

Conditions:
BRCA2-related cancer predisposition. Identifiers: MedGen CN377758, MONDO:0700269.
Hereditary cancer-predisposing syndrome. Also called: Tumor predisposition; Neoplastic Syndromes, Hereditary; Hereditary Cancer Syndrome; Hereditary neoplastic syndrome. Identifiers: Orphanet 140162, MedGen C0027672, MeSH D009386, MONDO:0015356.
Hereditary breast ovarian cancer syndrome. Also called: Hereditary breast and ovarian cancer syndrome (HBOC); Hereditary breast and ovarian cancer; Hereditary breast and ovarian cancer syndrome; Hereditary breast and/or ovarian cancer syndrome; Breast and ovarian cancer; BRCA1- and BRCA2-Associated Hereditary Breast and Ovarian Cancer. Identifiers: Orphanet 145, MedGen C0677776, MeSH D061325, MONDO:0003582. Disease mechanism: loss of function.
Breast-ovarian cancer, familial, susceptibility to, 2 (BROVCA2). Also called: BRCA2 Hereditary Breast and Ovarian Cancer. Identifiers: Orphanet 145, MedGen C2675520, MONDO:0012933, OMIM 612555. Disease mechanism: loss of function.

Allele frequency attached by ClinVar (database versions not stated): gnomAD exomes 0.00003; ExAC 0.00005.
gnomAD v4.1: 11 of 1,586,640 alleles (0.00069%); highest among the groups gnomAD compares: South Asian, 0.011%; no homozygotes.

Submissions (8):

Women's Health and Genetics/Laboratory Corporation of America, LabCorp
Classification: Uncertain significance. Last evaluated: 2026-04-10. Review status: criteria provided, single submitter. Criteria: LabCorp Variant Classification Summary - May 2015. Collection method: clinical testing. Allele origin: germline.
Comment: Variant summary: BRCA2 c.2593G>C (p.Glu865Gln) results in a conservative amino acid change in the encoded protein sequence. Algorithms developed to predict the effect of missense changes on protein structure and function all suggest that this variant is likely to be tolerated. The variant allele was found at a frequency of 3.1e-05 in 225002 control chromosomes. The available data on variant occurrences in the general population are insufficient to allow any conclusion about variant significance. c.2593G>C has been observed in individual(s) affected with Hereditary Breast And Ovarian Cancer Syndrome (John_2025). These report(s) do not provide unequivocal conclusions about association of the variant with Hereditary Breast And Ovarian Cancer Syndrome. To our knowledge, no experimental evidence demonstrating an impact on protein function has been reported. The following publication have been ascertained in the context of this evaluation (PMID: 40578183). ClinVar contains an entry for this variant (Variation ID: 141791). Based on the evidence outlined above, the variant was classified as uncertain significance.

Ambry Genetics
Classification: Benign for Hereditary cancer-predisposing syndrome. Last evaluated: 2024-08-29. Review status: criteria provided, single submitter. Criteria: Ambry Variant Classification Scheme 2023. Collection method: clinical testing. Allele origin: germline.

Labcorp Genetics (formerly Invitae), Labcorp
Classification: Uncertain significance for Hereditary breast ovarian cancer syndrome. Last evaluated: 2024-08-22. Review status: criteria provided, single submitter. Criteria: Invitae Variant Classification Sherloc (09022015). Collection method: clinical testing. Allele origin: germline.
Comment: This sequence change replaces glutamic acid, which is acidic and polar, with glutamine, which is neutral and polar, at codon 865 of the BRCA2 protein (p.Glu865Gln). This variant is present in population databases (rs587782014, gnomAD 0.03%). This variant has not been reported in the literature in individuals affected with BRCA2-related conditions. ClinVar contains an entry for this variant (Variation ID: 141791). Invitae Evidence Modeling of protein sequence and biophysical properties (such as structural, functional, and spatial information, amino acid conservation, physicochemical variation, residue mobility, and thermodynamic stability) indicates that this missense variant is not expected to disrupt BRCA2 protein function with a negative predictive value of 95%. In summary, the available evidence is currently insufficient to determine the role of this variant in disease. Therefore, it has been classified as a Variant of Uncertain Significance.

All of Us Research Program, National Institutes of Health
Classification: Uncertain significance for BRCA2-related cancer predisposition. Last evaluated: 2024-08-13. Review status: criteria provided, single submitter. Criteria: ACMG Guidelines, 2015. Collection method: clinical testing. Allele origin: germline. Inheritance: Autosomal dominant inheritance. Observed: 1 variant allele, 1 heterozygote.
Comment: This missense variant replaces glutamic acid with glutamine at codon 865 of the BRCA2 protein. Computational prediction suggests that this variant may not impact protein structure and function. To our knowledge, functional studies have not been reported for this variant. This variant has been detected in a breast cancer case-control meta-analysis in 0/60466 cases and 2/53461 unaffected individuals (PMID: 33471991; Leiden Open Variation Database DB-ID BRCA2_007966). This variant also has been reported in a multifactorial analysis with likelihood ratio for pathogenicity based on personal and family history of 0.806 from the reported log(LR) = -0.093598485 (PMID: 31853058). This variant has been identified in 7/225002 chromosomes in the general population by the Genome Aggregation Database (gnomAD). Although there is a suspicion that this variant may not be associated with disease, additional studies are necessary to determine the role of this variant in disease conclusively. Therefore, this variant is classified as a Variant of Uncertain Significance.

This study involves interpretation of variants in research participants for the purpose of population health screening. Participant phenotype was not available at the time of variant classification. Additional details can be found in publication PMID: 35346344, PMCID: PMC8962531

Color Diagnostics, LLC DBA Color Health
Classification: Uncertain significance for Hereditary cancer-predisposing syndrome. Last evaluated: 2024-07-24. Review status: criteria provided, single submitter. Criteria: ACMG Guidelines, 2015. Collection method: clinical testing. Allele origin: germline.
Comment: This missense variant replaces glutamic acid with glutamine at codon 865 of the BRCA2 protein. Computational prediction suggests that this variant may not impact protein structure and function. To our knowledge, functional studies have not been reported for this variant. This variant has been detected in a breast cancer case-control meta-analysis in 0/60466 cases and 2/53461 unaffected individuals (PMID: 33471991; Leiden Open Variation Database DB-ID BRCA2_007966). This variant also has been reported in a multifactorial analysis with likelihood ratio for pathogenicity based on personal and family history of 0.806 from the reported log(LR) = -0.093598485 (PMID: 31853058). This variant has been identified in 7/225002 chromosomes in the general population by the Genome Aggregation Database (gnomAD). Although there is a suspicion that this variant may not be associated with disease, additional studies are necessary to determine the role of this variant in disease conclusively. Therefore, this variant is classified as a Variant of Uncertain Significance.

ARUP Laboratories, Molecular Genetics and Genomics, ARUP Laboratories
Classification: Benign. Last evaluated: 2024-01-03. Review status: criteria provided, single submitter. Criteria: ARUP Molecular Germline Variant Investigation Process 2024. Collection method: clinical testing. Allele origin: germline.

University of Washington Department of Laboratory Medicine, University of Washington
Classification: Likely benign for Hereditary cancer-predisposing syndrome. Last evaluated: 2023-03-23. Review status: criteria provided, single submitter. Criteria: Dines et al. (Genet Med. 2020). Collection method: curation. Allele origin: germline.
Comment: Missense variant in a coldspot region where missense variants are very unlikely to be pathogenic (PMID:31911673).

BRCA2 exon 11 coldspot. Reclassification based on statistical prior probability.

Molecular Endocrinology Laboratory, Christian Medical College
Classification: Uncertain significance for Breast-ovarian cancer, familial, susceptibility to, 2. Review status: criteria provided, single submitter. Criteria: ACMG Guidelines, 2015. Collection method: clinical testing. Allele origin: germline. Affected: yes.

Literature cited by the submitters: PubMed 40578183 (cited by Women's Health and Genetics/Laboratory Corporation of America, LabCorp); PubMed 31853058 (cited by All of Us Research Program, National Institutes of Health and Color Diagnostics, LLC DBA Color Health); PubMed 33471991 (cited by All of Us Research Program, National Institutes of Health and Color Diagnostics, LLC DBA Color Health).

NM_000059.4(BRCA2):c.2593G>C (p.Glu865Gln)

Gene: BRCA2 (BRCA2 DNA repair associated; plus strand). Cytogenetic location: 13q13.1.
Variant type: single nucleotide variant.
Coding change: c.2593G>C on transcript NM_000059.4 (MANE Select); coding-DNA position 2593, G replaced by C.
Protein change: p.Glu865Gln; replaces glutamic acid 865 with glutamine.
Molecular consequence: missense variant.
Genome position (GRCh38, 1-based): chr13:32,336,948, G>C. VCF-style: chr13-32336948-G-C. GRCh37 (hg19) VCF-style: chr13-32911085-G-C.
Other names: short protein forms E865Q.
Identifiers: ClinVar variation 141791 (VCV000141791.26), dbSNP rs587782014, ClinGen allele CA015745.